The following is an entry in ClinVar:

NM_002109.6(HARS1):c.797G>A (p.Arg266His)

Gene: HARS1 (histidyl-tRNA synthetase 1; minus strand). Cytogenetic location: 5q31.3.
Variant type: single nucleotide variant.
Coding change: c.797G>A on transcript NM_002109.6 (MANE Select); coding-DNA position 797, G replaced by A.
Protein change: p.Arg266His; replaces arginine 266 with histidine.
Molecular consequence: missense variant.
Genome position (GRCh38, 1-based): chr5:140,677,353, C>T on the plus strand (G>A on the coding strand, the complement: HARS1 is on the minus strand). VCF-style: chr5-140677353-C-T. GRCh37 (hg19) VCF-style: chr5-140056938-C-T.
Other names: c.677G>A, p.Arg226His (NM_001258040.3); c.737G>A, p.Arg246His (NM_001258041.3); c.617G>A, p.Arg206His (NM_001258042.3); c.575G>A, p.Arg192His (NM_001289092.2); c.455G>A, p.Arg152His (NM_001289093.2); c.710G>A, p.Arg237His (NM_001289094.2); short protein forms R266H, R237H, R152H, R192H, R206H, R226H, R246H.
Identifiers: ClinVar variation 618673 (VCV000618673.23), dbSNP rs765223763, ClinGen allele CA3443990.

ClinVar aggregate classification (germline): Uncertain significance. Review status: criteria provided, multiple submitters, no conflicts (2 of 4 stars). 7 submissions from 7 submitters: Uncertain significance (7). Last evaluated 2026-04-29.

Conditions:
Usher syndrome type 3B. Also called: USHER SYNDROME, TYPE IIIB. Identifiers: MedGen C3281066, MONDO:0013788, OMIM 614504.

Allele frequency attached by ClinVar (database versions not stated): gnomAD exomes below 0.00001 and 0.00001; ExAC 0.00001; gnomAD 0.00003; TOPMed 0.00004.
gnomAD v4.1: 23 of 1,612,738 alleles (0.0014%); highest among the groups gnomAD compares: Admixed American, 0.0067%; no homozygotes.

Submissions (7):

GeneDx
Classification: Uncertain significance. Last evaluated: 2026-04-29. Review status: criteria provided, single submitter. Criteria: GeneDx Variant Classification Process June 2021. Collection method: clinical testing. Allele origin: germline.
Comment: Not observed at significant frequency in large population cohorts (gnomAD); In silico analysis supports that this missense variant has a deleterious effect on protein structure/function; Has not been previously published as pathogenic or benign to our knowledge

Mayo Clinic Laboratories, Mayo Clinic
Classification: Uncertain significance. Last evaluated: 2025-06-12. Review status: criteria provided, single submitter. Criteria: ACMG Guidelines, 2015. Collection method: clinical testing. Allele origin: germline. Observed: 1 variant allele.
Comment: BP4_moderate, PM2_supporting

Labcorp Genetics (formerly Invitae), Labcorp
Classification: Uncertain significance for Usher syndrome type 3B. Last evaluated: 2024-10-12. Review status: criteria provided, single submitter. Criteria: Invitae Variant Classification Sherloc (09022015). Collection method: clinical testing. Allele origin: germline.
Comment: This sequence change replaces arginine, which is basic and polar, with histidine, which is basic and polar, at codon 266 of the HARS protein (p.Arg266His). This variant is not present in population databases (gnomAD no frequency). This variant has not been reported in the literature in individuals affected with HARS-related conditions. ClinVar contains an entry for this variant (Variation ID: 618673). Invitae Evidence Modeling of protein sequence and biophysical properties (such as structural, functional, and spatial information, amino acid conservation, physicochemical variation, residue mobility, and thermodynamic stability) indicates that this missense variant is not expected to disrupt HARS protein function with a negative predictive value of 80%. In summary, the available evidence is currently insufficient to determine the role of this variant in disease. Therefore, it has been classified as a Variant of Uncertain Significance.

Ambry Genetics
Classification: Uncertain significance. Last evaluated: 2024-08-27. Review status: criteria provided, single submitter. Criteria: Ambry Variant Classification Scheme 2023. Collection method: clinical testing. Allele origin: germline.

Women's Health and Genetics/Laboratory Corporation of America, LabCorp
Classification: Uncertain significance. Last evaluated: 2023-07-21. Review status: criteria provided, single submitter. Criteria: LabCorp Variant Classification Summary - May 2015. Collection method: clinical testing. Allele origin: germline.
Comment: Variant summary: HARS c.797G>A (p.Arg266His) results in a non-conservative amino acid change located in the Aminoacyl-tRNA synthetase, class II (IPR006195) of the encoded protein sequence. Three of five in-silico tools predict a benign effect of the variant on protein function. The variant allele was found at a frequency of 4e-06 in 251394 control chromosomes (gnomAD). The available data on variant occurrences in the general population are insufficient to allow any conclusion about variant significance. To our knowledge, no occurrence of c.797G>A in individuals affected with Usher Syndrome and no experimental evidence demonstrating its impact on protein function have been reported. Three submitters have cited clinical-significance assessments for this variant to ClinVar after 2014. All submitters classified the variant as uncertain significance. Based on the evidence outlined above, the variant was classified as uncertain significance.

Blueprint Genetics
Classification: Uncertain significance. Last evaluated: 2023-05-08. Review status: criteria provided, single submitter. Criteria: ACMG Guidelines, 2015. Collection method: clinical testing. Allele origin: germline.

ARUP Laboratories, Molecular Genetics and Genomics, ARUP Laboratories
Classification: Uncertain significance. Last evaluated: 2017-12-12. Review status: criteria provided, single submitter. Criteria: ARUP Molecular Germline Variant Investigation Process. Collection method: clinical testing. Allele origin: germline.
Comment: The p.Arg266His variant (rs765223763) has not been reported in the medical literature, gene specific variation databases, nor has it been previously identified by our laboratory. It is absent from general population databases such as 1000 Genomes, NHLBI GO Exome Sequencing Project (ESP), and the Genome Aggregation Database (gnomAD). The arginine at position 266 is weakly conserved considering 12 species (Alamut v2.10) and computational analyses of the effects of the p.Arg266His variant on protein structure and function provide conflicting results (SIFT: damaging, MutationTaster: disease causing, PolyPhen-2: benign). Altogether, there is not enough evidence to classify the p.Arg266His variant with certainty.